The following is an entry in ClinVar:

NM_052947.4(ALPK2):c.3583G>A (p.Val1195Met)

Gene: ALPK2 (alpha kinase 2; minus strand). Cytogenetic location: 18q21.31.
Variant type: single nucleotide variant.
Coding change: c.3583G>A on transcript NM_052947.4 (MANE Select); coding-DNA position 3583, G replaced by A.
Protein change: p.Val1195Met; replaces valine 1195 with methionine.
Molecular consequence: missense variant.
Genome position (GRCh38, 1-based): chr18:58,536,604, C>T on the plus strand (G>A on the coding strand, the complement: ALPK2 is on the minus strand). VCF-style: chr18-58536604-C-T. GRCh37 (hg19) VCF-style: chr18-56203836-C-T.
Other names: short protein forms V1195M.
Identifiers: ClinVar variation 3039129 (VCV003039129.2), dbSNP rs201941824, ClinGen allele CA8976863.

ClinVar aggregate classification (germline): Benign (0 of 4 stars; one submission).

Conditions:
ALPK2-related disorder. Also called: ALPK2-related condition.

Allele frequency attached by ClinVar (database versions not stated): TOPMed 0.00017; gnomAD 0.00107; gnomAD exomes 0.00200; ExAC 0.00490; 1000 Genomes Project 0.00779; 1000 Genomes Project 30x 0.00812.
gnomAD v4.1: 3,085 of 1,614,148 alleles (0.19%); highest among the groups gnomAD compares: South Asian, 3.2%; 70 homozygotes.

Submission:

PreventionGenetics, part of Exact Sciences
Classification: Benign for ALPK2-related condition. Last evaluated: 2019-04-01. Review status: no assertion criteria provided. Collection method: clinical testing. Allele origin: germline.
Comment: This variant is classified as benign based on ACMG/AMP sequence variant interpretation guidelines (Richards et al. 2015 PMID: 25741868, with internal and published modifications).